The following is an entry in ClinVar:

ClinVar aggregate classification (germline): Conflicting classifications of pathogenicity. Review status: criteria provided, conflicting classifications (1 of 4 stars). 3 submissions from 3 submitters: Uncertain significance (2); Benign (1). Last evaluated 2026-01-27.

Conditions:
Inborn genetic diseases. Identifiers: MedGen C0950123, MeSH D030342.

Allele frequency attached by ClinVar (database versions not stated): gnomAD exomes below 0.00001; ExAC 0.00002; TOPMed 0.00008; gnomAD 0.00009.
gnomAD v4.1: 20 of 1,614,114 alleles (0.0012%); highest among the groups gnomAD compares: African/African-American, 0.021%; no homozygotes.

Submissions (3):

Labcorp Genetics (formerly Invitae), Labcorp
Classification: Benign. Last evaluated: 2026-01-27. Review status: criteria provided, single submitter. Criteria: Invitae Variant Classification Sherloc (09022015). Collection method: clinical testing. Allele origin: germline.

Women's Health and Genetics/Laboratory Corporation of America, LabCorp
Classification: Uncertain significance. Last evaluated: 2025-10-29. Review status: criteria provided, single submitter. Criteria: LabCorp Variant Classification Summary - May 2015. Collection method: clinical testing. Allele origin: germline.
Comment: Variant summary: FLNB c.3779A>C (p.Gln1260Pro) results in a non-conservative amino acid change in the encoded protein sequence. Algorithms developed to predict the effect of missense changes on protein structure and function are either unavailable or do not agree on the potential impact of this missense change. The variant allele was found at a frequency of 1.6e-05 in 251482 control chromosomes. The available data on variant occurrences in the general population are insufficient to allow any conclusion about variant significance. To our knowledge, no occurrence of c.3779A>C in individuals affected with FLNB-related conditions and no experimental evidence demonstrating its impact on protein function have been reported. ClinVar contains an entry for this variant (Variation ID: 2177940). Based on the evidence outlined above, the variant was classified as uncertain significance.

Ambry Genetics
Classification: Uncertain significance for Inborn genetic diseases. Last evaluated: 2024-03-07. Review status: criteria provided, single submitter. Criteria: Ambry Variant Classification Scheme 2023. Collection method: clinical testing. Allele origin: germline.

NM_001457.4(FLNB):c.3779A>C (p.Gln1260Pro)

Gene: FLNB (filamin B; plus strand). Cytogenetic location: 3p14.3.
Variant type: single nucleotide variant.
Coding change: c.3779A>C on transcript NM_001457.4 (MANE Select); coding-DNA position 3779, A replaced by C.
Protein change: p.Gln1260Pro; replaces glutamine 1260 with proline.
Molecular consequence: missense variant.
Genome position (GRCh38, 1-based): chr3:58,124,386, A>C. VCF-style: chr3-58124386-A-C. GRCh37 (hg19) VCF-style: chr3-58110113-A-C.
Other names: c.3779A>C (NM_001457.3); c.3779A>C, p.Gln1260Pro (NM_001164317.2, NM_001164318.2, NM_001164319.2); short protein forms Q1260P.
Identifiers: ClinVar variation 2177940 (VCV002177940.6), dbSNP rs746500238, ClinGen allele CA2468537.